The following is an entry in ClinVar:

ClinVar aggregate classification (germline): Pathogenic/Likely pathogenic. Review status: criteria provided, multiple submitters, no conflicts (2 of 4 stars). 3 submissions from 3 submitters: Pathogenic (1); Likely pathogenic (2). Last evaluated 2025-11-06.

Conditions:
GNPTAB-mucolipidosis. Also called: UDP-N-acetylglucosamine-1-phosphotransferase subunit alpha/beta deficiency. Identifiers: MedGen CN322573, MONDO:0100122.
Mucolipidosis type II. Also called: Mucolipidosis II Alpha/Beta; ML II ALPHA/BETA; Mucolipidosis 2; ML 2; Inclusion cell disease; Leroy Disease. Identifiers: Orphanet 576, MedGen C2673377, MONDO:0009650, OMIM 252500.
Pseudo-Hurler polydystrophy. Also called: MUCOLIPIDOSIS IIIA; Type III Mucolipidosis; ML IIIA; ML III; ML III ALPHA/BETA; Mucolipidosis III Alpha/Beta. Identifiers: Orphanet 423461, Orphanet 577, MedGen C0033788, MONDO:0018931, OMIM 252600.

Submissions (3):

Natera, Inc.
Classification: Likely pathogenic for Mucolipidosis type II. Last evaluated: 2025-11-06. Review status: criteria provided, single submitter. Criteria: Natera Variant Classification Schema (03/2026). Collection method: clinical testing. Allele origin: germline.
Comment: The c.3055dup variant in GNPTAB is a frameshift variant predicted to shift the reading frame beginning at codon 1019 and leads to a stop codon 9 codons downstream. This variant is expected to result in nonsense mediated decay, truncation, or a dysfunctional protein product. This variant is rare in the general population with a frequency below the threshold expected for the associated phenotype(s). Given the available evidence, this variant is classified as Likely Pathogenic.

Myriad Genetics, Inc.
Classification: Pathogenic for GNPTAB-mucolipidosis. Last evaluated: 2025-01-03. Review status: criteria provided, single submitter. Criteria: Myriad Autosomal Dominant, Autosomal Recessive and X-Linked Classification Criteria (2023). Collection method: clinical testing. Allele origin: unknown.
Comment: NM_024312.4(GNPTAB):c.3055dupA(T1019Nfs*9) is expected to be pathogenic in the context of GNPTAB-related disorders. This variant is predicted to lead to an abnormal or absent protein product due to the creation of a premature termination codon in GNPTAB, a gene where loss-of-function variants are known to be pathogenic. Please note: this variant was assessed in the context of healthy population screening.

Fulgent Genetics
Classification: Likely pathogenic for Mucolipidosis type II; Pseudo-Hurler polydystrophy. Last evaluated: 2024-02-15. Review status: criteria provided, single submitter. Criteria: ACMG Guidelines, 2015. Collection method: clinical testing. Allele origin: germline.

NM_024312.5(GNPTAB):c.3055dup (p.Thr1019fs)

Gene: GNPTAB (N-acetylglucosamine-1-phosphate transferase subunits alpha and beta; minus strand). Cytogenetic location: 12q23.2.
Variant type: Duplication.
Coding change: c.3055dup on transcript NM_024312.5 (MANE Select); coding-DNA position 3055, one base duplicated (A; older notation c.3055dupA).
Protein change: p.Thr1019fs; shifts the reading frame from threonine 1019.
Molecular consequence: frameshift variant.
Genome position (GRCh38, 1-based): chr12:101,761,207, T duplicated on the plus strand (A on the coding strand, the reverse complement: GNPTAB is on the minus strand). VCF-style (leftmost placement, unchanged base first): chr12-101761206-G-GT. GRCh37 (hg19) VCF-style: chr12-102154984-G-GT.
Other names: c.3055dup (NM_024312.4); short protein forms T1019fs.
Identifiers: ClinVar variation 3574171 (VCV003574171.3).